The following is an entry in ClinVar:

ClinVar aggregate classification (germline): Uncertain significance. Review status: criteria provided, multiple submitters, no conflicts (2 of 4 stars). 2 submissions from 2 submitters: Uncertain significance (2). Last evaluated 2026-08-20.

Conditions:
Bloom syndrome (BLM). Also called: Bloom-Torre-Machacek syndrome. Identifiers: Orphanet 125, MedGen C0005859, MONDO:0008876, OMIM 210900.
Hereditary cancer-predisposing syndrome. Also called: Hereditary Cancer Syndrome; Tumor predisposition; Hereditary neoplastic syndrome; Neoplastic Syndromes, Hereditary. Identifiers: Orphanet 140162, MedGen C0027672, MeSH D009386, MONDO:0015356.

Allele frequency attached by ClinVar (database versions not stated): TOPMed below 0.00001; ExAC 0.00001; gnomAD 0.00001; ESP Exome Variant Server 0.00008.

Submissions (2):

Ambry Genetics
Classification: Uncertain significance for Hereditary cancer-predisposing syndrome. Last evaluated: 2026-08-20. Review status: criteria provided, single submitter. Criteria: Ambry Variant Classification Scheme 2023. Collection method: clinical testing. Allele origin: germline.
Comment: The p.M1214I variant (also known as c.3642G>A), located in coding exon 18 of the BLM gene, results from a G to A substitution at nucleotide position 3642. The methionine at codon 1214 is replaced by isoleucine, an amino acid with highly similar properties. This amino acid position is conserved. In addition, this alteration is predicted to be tolerated by in silico analysis. Based on the available evidence, the clinical significance of this variant remains unclear.

Labcorp Genetics (formerly Invitae), Labcorp
Classification: Uncertain significance for Bloom syndrome. Last evaluated: 2023-05-15. Review status: criteria provided, single submitter. Criteria: Invitae Variant Classification Sherloc (09022015). Collection method: clinical testing. Allele origin: germline.
Comment: In summary, the available evidence is currently insufficient to determine the role of this variant in disease. Therefore, it has been classified as a Variant of Uncertain Significance. Algorithms developed to predict the effect of sequence changes on RNA splicing suggest that this variant may disrupt the consensus splice site. Advanced modeling of protein sequence and biophysical properties (such as structural, functional, and spatial information, amino acid conservation, physicochemical variation, residue mobility, and thermodynamic stability) performed at Invitae indicates that this missense variant is not expected to disrupt BLM protein function. ClinVar contains an entry for this variant (Variation ID: 524805). This variant has not been reported in the literature in individuals affected with BLM-related conditions. This variant is present in population databases (rs377253486, gnomAD 0.007%). This sequence change replaces methionine, which is neutral and non-polar, with isoleucine, which is neutral and non-polar, at codon 1214 of the BLM protein (p.Met1214Ile).

NM_000057.4(BLM):c.3642G>A (p.Met1214Ile)

Gene: BLM (BLM RecQ like helicase; plus strand). Cytogenetic location: 15q26.1.
Variant type: single nucleotide variant.
Coding change: c.3642G>A on transcript NM_000057.4 (MANE Select); coding-DNA position 3642, G replaced by A.
Protein change: p.Met1214Ile; replaces methionine 1214 with isoleucine.
Molecular consequence: missense variant. On other transcripts: intron variant (1).
Genome position (GRCh38, 1-based): chr15:90,804,250, G>A. VCF-style: chr15-90804250-G-A. GRCh37 (hg19) VCF-style: chr15-91347480-G-A.
Other names: c.3642G>A (NM_000057.2); c.3642G>A, p.Met1214Ile (NM_001287246.2); c.2517G>A, p.Met839Ile (NM_001287248.2); c.3359-4887G>A (NM_001287247.2); short protein forms M1214I, M839I.
Identifiers: ClinVar variation 524805 (VCV000524805.12), dbSNP rs377253486, ClinGen allele CA7739085.